The following is an entry in ClinVar:

NM_032043.3(BRIP1):c.919-3T>C

Gene: BRIP1 (BRCA1 interacting DNA helicase 1; minus strand). Cytogenetic location: 17q23.2.
Variant type: single nucleotide variant.
Coding change: c.919-3T>C on transcript NM_032043.3 (MANE Select); 3 bases into the intron before coding-DNA position 919, T replaced by C.
Molecular consequence: intron variant.
Genome position (GRCh38, 1-based): chr17:61,801,477, A>G on the plus strand (T>C on the coding strand, the complement: BRIP1 is on the minus strand). VCF-style: chr17-61801477-A-G. GRCh37 (hg19) VCF-style: chr17-59878838-A-G.
Identifiers: ClinVar variation 1039840 (VCV001039840.10), dbSNP rs2077994124, ClinGen allele CA2269179656.

ClinVar aggregate classification (germline): Conflicting classifications of pathogenicity. Review status: criteria provided, conflicting classifications (1 of 4 stars). 3 submissions from 3 submitters: Uncertain significance (2); Likely benign (1). Last evaluated 2024-08-22.

Conditions:
Hereditary cancer-predisposing syndrome. Also called: Hereditary neoplastic syndrome; Neoplastic Syndromes, Hereditary; Tumor predisposition; Hereditary Cancer Syndrome. Identifiers: Orphanet 140162, MedGen C0027672, MeSH D009386, MONDO:0015356.
Fanconi anemia complementation group J. Also called: BRIP1-Related Fanconi Anemia. Identifiers: Orphanet 84, MedGen C1836860, MONDO:0012187, OMIM 609054.
Familial cancer of breast. Also called: BREAST CANCER, FAMILIAL; Hereditary breast cancer; hereditary breast carcinoma. Identifiers: Orphanet 227535, MedGen C0346153, MONDO:0016419, OMIM 114480. Disease mechanism: loss of function.

Allele frequency attached by ClinVar (database versions not stated): gnomAD exomes below 0.00001.
gnomAD v4.1: 1 of 1,587,582 alleles (0.000063%); highest among the groups gnomAD compares: Non-Finnish European, 0.000086%; no homozygotes.

Submissions (3):

Myriad Genetics, Inc.
Classification: Likely benign for Familial cancer of breast. Last evaluated: 2024-08-22. Review status: criteria provided, single submitter. Criteria: Myriad Autosomal Dominant, Autosomal Recessive and X-Linked Classification Criteria (2023). Collection method: clinical testing. Allele origin: unknown.
Comment: This variant is considered likely benign. This variant is intronic and is not expected to impact mRNA splicing.

Ambry Genetics
Classification: Uncertain significance for Hereditary cancer-predisposing syndrome. Last evaluated: 2021-11-17. Review status: criteria provided, single submitter. Criteria: Ambry Variant Classification Scheme 2023. Collection method: clinical testing. Allele origin: germline.
Comment: The c.919-3T>C intronic variant results from a T to C substitution 3 nucleotides upstream from coding exon 7 in the BRIP1 gene. This nucleotide position is not well conserved in available vertebrate species. In silico splice site analysis predicts that this alteration will not have any significant effect on splicing. Since supporting evidence is limited at this time, the clinical significance of this alteration remains unclear.

Labcorp Genetics (formerly Invitae), Labcorp
Classification: Uncertain significance for Familial cancer of breast; Fanconi anemia complementation group J. Last evaluated: 2021-09-01. Review status: criteria provided, single submitter. Criteria: Invitae Variant Classification Sherloc (09022015). Collection method: clinical testing. Allele origin: germline.
Comment: This sequence change falls in intron 7 of the BRIP1 gene. It does not directly change the encoded amino acid sequence of the BRIP1 protein. It affects a nucleotide within the consensus splice site of the intron. This variant is not present in population databases (ExAC no frequency). This variant has not been reported in the literature in individuals affected with BRIP1-related conditions. Variants that disrupt the consensus splice site are a relatively common cause of aberrant splicing (PMID: 17576681, 9536098). Algorithms developed to predict the effect of sequence changes on RNA splicing suggest that this variant is not likely to affect RNA splicing. In summary, the available evidence is currently insufficient to determine the role of this variant in disease. Therefore, it has been classified as a Variant of Uncertain Significance.

Literature cited by the submitters: PubMed 17576681 (cited by Labcorp Genetics (formerly Invitae), Labcorp); PubMed 9536098 (cited by Labcorp Genetics (formerly Invitae), Labcorp).